The following is an entry in ClinVar:

NM_001206927.2(DNAH8):c.12248+9A>G

Genes: DNAH8 (dynein axonemal heavy chain 8; plus strand), DNAH8-AS1 (DNAH8 antisense RNA 1; minus strand). Cytogenetic location: 6p21.2.
Variant type: single nucleotide variant.
Coding change: c.12248+9A>G on transcript NM_001206927.2 (MANE Select); 9 bases into the intron after coding-DNA position 12248, A replaced by G.
Molecular consequence: intron variant.
Genome position (GRCh38, 1-based): chr6:38,949,579, A>G. VCF-style: chr6-38949579-A-G. GRCh37 (hg19) VCF-style: chr6-38917355-A-G.
Other names: c.11597+9A>G (NM_001371.4).
Identifiers: ClinVar variation 3052710 (VCV003052710.3), dbSNP rs1761716781, ClinGen allele CA1622453663.

ClinVar aggregate classification (germline): Likely benign. Review status: criteria provided, single submitter (1 of 4 stars). 2 submissions from 2 submitters: Likely benign (1). 1 of the submissions does not count toward it. Last evaluated 2025-12-03.

Conditions:
DNAH8-related disorder. Also called: DNAH8-related condition.
Primary ciliary dyskinesia. Also called: Ciliary dyskinesia. Identifiers: Orphanet 244, MedGen C0008780, MONDO:0016575, HP:0012265.

Submissions (2):

Labcorp Genetics (formerly Invitae), Labcorp
Classification: Likely benign for Primary ciliary dyskinesia. Last evaluated: 2025-12-03. Review status: criteria provided, single submitter. Criteria: Invitae Variant Classification Sherloc (09022015). Collection method: clinical testing. Allele origin: germline.

PreventionGenetics, part of Exact Sciences
Classification: Likely benign for DNAH8-related condition. Last evaluated: 2019-09-06. Review status: no assertion criteria provided. Collection method: clinical testing. Allele origin: germline. Not counted in ClinVar's aggregate classification.
Comment: This variant is classified as likely benign based on ACMG/AMP sequence variant interpretation guidelines (Richards et al. 2015 PMID: 25741868, with internal and published modifications).